The following is an entry in ClinVar:

ClinVar aggregate classification (germline): Uncertain significance (1 of 4 stars; one submission).

Submission:

Labcorp Genetics (formerly Invitae), Labcorp
Classification: Uncertain significance. Last evaluated: 2022-07-05. Review status: criteria provided, single submitter. Criteria: Invitae Variant Classification Sherloc (09022015). Collection method: clinical testing. Allele origin: germline.
Comment: Advanced modeling of protein sequence and biophysical properties (such as structural, functional, and spatial information, amino acid conservation, physicochemical variation, residue mobility, and thermodynamic stability) performed at Invitae indicates that this missense variant is not expected to disrupt COL2A1 protein function. In summary, the available evidence is currently insufficient to determine the role of this variant in disease. Therefore, it has been classified as a Variant of Uncertain Significance. ClinVar contains an entry for this variant (Variation ID: 1052773). This variant has not been reported in the literature in individuals affected with COL2A1-related conditions. This variant is not present in population databases (gnomAD no frequency). This sequence change replaces threonine, which is neutral and polar, with asparagine, which is neutral and polar, at codon 1442 of the COL2A1 protein (p.Thr1442Asn).

NM_001844.5(COL2A1):c.4325C>A (p.Thr1442Asn)

Gene: COL2A1 (collagen type II alpha 1 chain; minus strand). Cytogenetic location: 12q13.11.
Variant type: single nucleotide variant.
Coding change: c.4325C>A on transcript NM_001844.5 (MANE Select); coding-DNA position 4325, C replaced by A.
Protein change: p.Thr1442Asn; replaces threonine 1442 with asparagine.
Molecular consequence: missense variant.
Genome position (GRCh38, 1-based): chr12:47,973,546, G>T on the plus strand (C>A on the coding strand, the complement: COL2A1 is on the minus strand). VCF-style: chr12-47973546-G-T. GRCh37 (hg19) VCF-style: chr12-48367329-G-T.
Other names: c.4118C>A, p.Thr1373Asn (NM_033150.3); short protein forms T1373N, T1442N.
Identifiers: ClinVar variation 1052773 (VCV001052773.10), dbSNP rs750624540, ClinGen allele CA384533358.
Genomic context (GRCh38, chr12:47,973,546, plus strand): 5'-ATGGGGAGGCGTGAGGTCTTCTGTGACCGGTACTCGATAACAGTCTTGCCCCACTTACCG[G>T]TATGTTTCTAGGGGAGAAAAAAGGAGGAGGCTCTGTTCAGTAGATGCCTTGCTACCCAGT-3'
Protein context (NP_001835.3, residues 1432-1452): TALKDGCTKH[Thr1442Asn]GKWGKTVIEY